The following is an entry in ClinVar:

ClinVar aggregate classification (germline): Uncertain significance. Review status: criteria provided, multiple submitters, no conflicts (2 of 4 stars). 2 submissions from 2 submitters: Uncertain significance (2). Last evaluated 2025-02-12.

Conditions:
Inborn genetic diseases. Identifiers: MedGen C0950123, MeSH D030342.

Submissions (2):

Ambry Genetics
Classification: Uncertain significance for Inborn genetic diseases. Last evaluated: 2025-02-12. Review status: criteria provided, single submitter. Criteria: Ambry Variant Classification Scheme 2023. Collection method: clinical testing. Allele origin: germline.

Women's Health and Genetics/Laboratory Corporation of America, LabCorp
Classification: Uncertain significance. Last evaluated: 2024-11-26. Review status: criteria provided, single submitter. Criteria: LabCorp Variant Classification Summary - May 2015. Collection method: clinical testing. Allele origin: germline.
Comment: Variant summary: PRPH c.1257A>G (p.Ile419Met) results in a conservative amino acid change in the encoded protein sequence. Five of five in-silico tools predict a benign effect of the variant on protein function. The variant allele was found at a frequency of 2.4e-05 in 249210 control chromosomes. The available data on variant occurrences in the general population are insufficient to allow any conclusion about variant significance. To our knowledge, no occurrence of c.1257A>G in individuals affected with Amyotrophic lateral sclerosis type 1 and no experimental evidence demonstrating its impact on protein function have been reported. No submitters have cited clinical-significance assessments for this variant to ClinVar. Based on the evidence outlined above, the variant was classified as uncertain significance.

NM_006262.4(PRPH):c.1257A>G (p.Ile419Met)

Genes: PRPH (peripherin; plus strand), TROAP-AS1 (TROAP and PRPH antisense RNA 1; minus strand). Cytogenetic location: 12q13.12.
Variant type: single nucleotide variant.
Coding change: c.1257A>G on transcript NM_006262.4 (MANE Select); coding-DNA position 1257, A replaced by G.
Protein change: p.Ile419Met; replaces isoleucine 419 with methionine.
Molecular consequence: missense variant.
Genome position (GRCh38, 1-based): chr12:49,297,716, A>G. VCF-style: chr12-49297716-A-G. GRCh37 (hg19) VCF-style: chr12-49691499-A-G.
Other names: c.1257A>G (NM_006262.3); short protein forms I419M.
Identifiers: ClinVar variation 3629541 (VCV003629541.3).